The following is an entry in ClinVar:

NM_000548.5(TSC2):c.1061_1068dup (p.Ala357fs)

Gene: TSC2 (TSC complex subunit 2; plus strand). Cytogenetic location: 16p13.3.
Variant type: Duplication.
Coding change: c.1061_1068dup on transcript NM_000548.5 (MANE Select); coding-DNA positions 1061 to 1068, 8 bases duplicated (AGGTGGTG; older notation c.1061_1068dupAGGTGGTG).
Protein change: p.Ala357fs; shifts the reading frame from alanine 357.
Molecular consequence: frameshift variant.
Genome position (GRCh38, 1-based): chr16:2,060,755-2,060,762, AGGTGGTG duplicated. VCF-style (leftmost placement, unchanged base first): chr16-2060754-C-CAGGTGGTG. GRCh37 (hg19) VCF-style: chr16-2110755-C-CAGGTGGTG.
Other names: c.1061_1068dup, p.Ala357fs (NM_001077183.3, NM_001114382.3, NM_001363528.2 and 3 more transcripts); c.950_957dup, p.Ala320fs (NM_001318827.2); c.914_921dup, p.Ala308fs (NM_001318829.2); c.461_468dup, p.Ala157fs (NM_001318831.2); c.1094_1101dup, p.Ala368fs (NM_001318832.2); c.1061_1068dup, p.Ala357Argfs (NM_001406663.1, NM_001406664.1, NM_001406665.1); c.1151_1158dup, p.Ala387Argfs (NM_001406667.1, NM_001406668.1); c.950_957dup, p.Ala320Argfs (NM_001406670.1, NM_001406678.1); and 9 more; short protein forms A320fs, A368fs, A308fs, A157fs, A357fs.
Identifiers: ClinVar variation 1780228 (VCV001780228.2), dbSNP rs2548521862, ClinGen allele CA2580090695.

ClinVar aggregate classification (germline): Pathogenic (1 of 4 stars; one submission).

Conditions:
Hereditary cancer-predisposing syndrome. Also called: Neoplastic Syndromes, Hereditary; Tumor predisposition; Hereditary Cancer Syndrome; Hereditary neoplastic syndrome. Identifiers: Orphanet 140162, MedGen C0027672, MeSH D009386, MONDO:0015356.

Submission:

Ambry Genetics
Classification: Pathogenic for Hereditary cancer-predisposing syndrome. Last evaluated: 2018-05-08. Review status: criteria provided, single submitter. Criteria: Ambry Variant Classification Scheme 2023. Collection method: clinical testing. Allele origin: germline.
Comment: The c.1061_1068dupAGGTGGTG pathogenic mutation, located in coding exon 10 of the TSC2 gene, results from a duplication of AGGTGGTG at nucleotide position 1061, causing a translational frameshift with a predicted alternate stop codon (p.A357Rfs*9). This alteration is expected to result in loss of function by premature protein truncation or nonsense-mediated mRNA decay. As such, this alteration is interpreted as a disease-causing mutation.